The following is an entry in ClinVar:

ClinVar aggregate classification (germline): Uncertain significance (1 of 4 stars; one submission).

Submission:

GeneDx
Classification: Uncertain significance. Last evaluated: 2019-06-25. Review status: criteria provided, single submitter. Criteria: GeneDx Variant Classification Process June 2021. Collection method: clinical testing. Allele origin: germline. Affected: yes.
Comment: Not observed in large population cohorts (Lek et al., 2016); Nonsense variant predicted to result in protein truncation or nonsense mediated decay in a gene for which loss-of-function is not a known mechanism of disease; Has not been previously published as pathogenic or benign to our knowledge; Variants in candidate genes are classified as variants of uncertain significance in accordance with ACMG guidelines (Richards et al., 2015)

NM_001162501.2(TNRC6B):c.3036G>A (p.Trp1012Ter)

Gene: TNRC6B (trinucleotide repeat containing adaptor 6B; plus strand). Cytogenetic location: 22q13.1.
Variant type: single nucleotide variant.
Coding change: c.3036G>A on transcript NM_001162501.2 (MANE Select); coding-DNA position 3036, G replaced by A.
Protein change: p.Trp1012Ter; replaces tryptophan 1012 with a stop codon.
Molecular consequence: nonsense.
Genome position (GRCh38, 1-based): chr22:40,273,495, G>A. VCF-style: chr22-40273495-G-A. GRCh37 (hg19) VCF-style: chr22-40669499-G-A.
Other names: c.795G>A, p.Trp265Ter (NM_001024843.2); c.2877G>A, p.Trp959Ter (NM_015088.3); short protein forms W1012*, W265*, W959*.
Identifiers: ClinVar variation 1315764 (VCV001315764.2), dbSNP rs2146511999, ClinGen allele CA411644861.